The following continues an entry in ClinVar:

NM_001127701.1(SERPINA1):c.187C>T (p.Arg63Cys)

Gene: SERPINA1. ClinVar aggregate classification (germline): Pathogenic/Likely pathogenic. Pathogenic (8); Likely pathogenic (7).

Submissions 14 to 18 of 18:

Juno Genomics, Hangzhou Juno Genomics, Inc
Classification: Pathogenic for Alpha-1-antitrypsin deficiency. Review status: criteria provided, single submitter. Criteria: ACMG Guidelines, 2015. Collection method: clinical testing. Allele origin: germline.
Comment: Absent from controls (or at extremely low frequency if recessive) in Genome Aggregation Database.;Multiple lines of computational evidence support a deleterious effect on the gene or gene product.;For recessive disorders, detected in trans with a pathogenic variant.

UNC Molecular Genetics  Laboratory, University of North Carolina at Chapel Hill
Classification: Likely pathogenic for Alpha-1-antitrypsin deficiency. Review status: criteria provided, single submitter. Criteria: ACMG Guidelines, 2015. Collection method: research. Allele origin: germline. Affected: no. Observed: 1 variant allele. Study: NSIGHT-NC NEXUS.
Comment: The SERPINA1 c.187C>T (p.R63C) variant (also known as the I allele) is a mildly deficient variant. Alpha-1 antitrypsin deficiency has been reported in individuals homozygous for the SERPINA1 I allele, or if the I allele is present with a more severe SERPINA1 variant (i.e. SERPINA1 c.1096G>A, p.E366K, also known as the Z allele) (PMID: 2606478, 10194472; 22912357).

carrier finding

OMIM
Classification: other for PI I. Last evaluated: 2016-07-15. Review status: no assertion criteria provided. Collection method: literature only. Allele origin: germline. Not counted in ClinVar's aggregate classification.

Department of Laboratory Medicine and Genetics, Trillium Health Partners Credit Valley Hospital
Classification: Pathogenic for Alpha-1-antitrypsin deficiency. Last evaluated: 2014-12-08. Review status: no assertion criteria provided. Collection method: curation. Allele origin: germline. Affected: yes. Not counted in ClinVar's aggregate classification.
Comment: Reduced enzyme activity

Rare deficiency allele

CSER _CC_NCGL, University of Washington
Classification: Likely pathogenic for Antitrypsin alpha 1 deficiency. Last evaluated: 2014-06-01. Review status: no assertion criteria provided. Collection method: research. Allele origin: germline. Inheritance: Autosomal recessive inheritance. Study: ESP 6500 variant annotation. Not counted in ClinVar's aggregate classification.
Comment: Variants classified for the Actionable exomic incidental findings in 6503 participants: challenges of variant classification manuscript

Literature cited by the submitters: PubMed 2606478 (cited by 5 submitters); PubMed 10194472 (cited by 5 submitters); PubMed 21752289 (cited by 4 submitters); PubMed 22912357 (cited by 5 submitters); PubMed 24713750 (cited by 3 submitters); PubMed 32482783 (cited by Women's Health and Genetics/Laboratory Corporation of America, LabCorp); PubMed 14767073 (cited by Women's Health and Genetics/Laboratory Corporation of America, LabCorp); PubMed 26647313 (cited by Women's Health and Genetics/Laboratory Corporation of America, LabCorp); PubMed 3496639 (cited by Illumina Laboratory Services, Illumina); PubMed 1504305 (cited by Illumina Laboratory Services, Illumina and OMIM); PubMed 18515255 (cited by Illumina Laboratory Services, Illumina); PubMed 17964515 (cited by Illumina Laboratory Services, Illumina); PubMed 27296815 (cited by Illumina Laboratory Services, Illumina); PubMed 26987331 (cited by Illumina Laboratory Services, Illumina); PubMed 2696185 (cited by OMIM).